The following is an entry in ClinVar:

NM_005529.7(HSPG2):c.1399C>T (p.Arg467Cys)

Gene: HSPG2 (heparan sulfate proteoglycan 2; minus strand). Cytogenetic location: 1p36.12.
Variant type: single nucleotide variant.
Coding change: c.1399C>T on transcript NM_005529.7 (MANE Select); coding-DNA position 1399, C replaced by T.
Protein change: p.Arg467Cys; replaces arginine 467 with cysteine.
Molecular consequence: missense variant.
Genome position (GRCh38, 1-based): chr1:21,884,875, G>A on the plus strand (C>T on the coding strand, the complement: HSPG2 is on the minus strand). VCF-style: chr1-21884875-G-A. GRCh37 (hg19) VCF-style: chr1-22211368-G-A.
Other names: c.1399C>T, p.Arg467Cys (NM_001291860.2); short protein forms R467C.
Identifiers: ClinVar variation 295894 (VCV000295894.12), dbSNP rs146861173, ClinGen allele CA673459.

ClinVar aggregate classification (germline): Uncertain significance. Review status: criteria provided, multiple submitters, no conflicts (2 of 4 stars). 5 submissions from 4 submitters: Uncertain significance (5). Last evaluated 2025-06-18.

Conditions:
Lethal Kniest-like syndrome (DDSH). Also called: Dyssegmental Dysplasia. Identifiers: Orphanet 1865, MedGen C1857100, MONDO:0009140, OMIM 224410.
Schwartz-Jampel syndrome. Also called: Myotonic myopathy dwarfism chondrodystrophy and ocular and facial abnormalities. Identifiers: Orphanet 800, MedGen C0036391, MONDO:0009717.
Inborn genetic diseases. Identifiers: MedGen C0950123, MeSH D030342.

Allele frequency attached by ClinVar (database versions not stated): gnomAD exomes 0.00001; ExAC 0.00002; gnomAD 0.00004 and 0.00005; TOPMed 0.00006; ESP Exome Variant Server 0.00008; 1000 Genomes Project 30x 0.00016; 1000 Genomes Project 0.00020.
gnomAD v4.1: 13 of 1,613,980 alleles (0.00081%); highest among the groups gnomAD compares: Admixed American, 0.0067%; no homozygotes.

Submissions (5):

Ambry Genetics
Classification: Uncertain significance for Inborn genetic diseases. Last evaluated: 2025-06-18. Review status: criteria provided, single submitter. Criteria: Ambry Variant Classification Scheme 2023. Collection method: clinical testing. Allele origin: germline.

Labcorp Genetics (formerly Invitae), Labcorp
Classification: Uncertain significance. Last evaluated: 2024-12-09. Review status: criteria provided, single submitter. Criteria: Invitae Variant Classification Sherloc (09022015). Collection method: clinical testing. Allele origin: germline.
Comment: This sequence change replaces arginine, which is basic and polar, with cysteine, which is neutral and slightly polar, at codon 467 of the HSPG2 protein (p.Arg467Cys). This variant is present in population databases (rs146861173, gnomAD 0.004%). This variant has not been reported in the literature in individuals affected with HSPG2-related conditions. ClinVar contains an entry for this variant (Variation ID: 295894). An algorithm developed to predict the effect of missense changes on protein structure and function (PolyPhen-2) suggests that this variant is likely to be disruptive. In summary, the available evidence is currently insufficient to determine the role of this variant in disease. Therefore, it has been classified as a Variant of Uncertain Significance.

GeneDx
Classification: Uncertain significance. Last evaluated: 2022-08-06. Review status: criteria provided, single submitter. Criteria: GeneDx Variant Classification Process June 2021. Collection method: clinical testing. Allele origin: germline. Affected: yes.
Comment: In silico analysis supports that this missense variant has a deleterious effect on protein structure/function; Has not been previously published as pathogenic or benign to our knowledge

Illumina Laboratory Services, Illumina
Classification: Uncertain significance for Schwartz-Jampel syndrome type 1. Last evaluated: 2018-01-13. Review status: criteria provided, single submitter. Criteria: ICSL Variant Classification Criteria 13 December 2019. Collection method: clinical testing. Allele origin: germline.

Illumina Laboratory Services, Illumina
Classification: Uncertain significance for Lethal Kniest-like syndrome. Last evaluated: 2018-01-13. Review status: criteria provided, single submitter. Criteria: ICSL Variant Classification Criteria 13 December 2019. Collection method: clinical testing. Allele origin: germline.